The following is an entry in ClinVar:

NM_004104.5(FASN):c.1029+6T>C

Gene: FASN (fatty acid synthase; minus strand). Cytogenetic location: 17q25.3.
Variant type: single nucleotide variant.
Coding change: c.1029+6T>C on transcript NM_004104.5 (MANE Select); 6 bases into the intron after coding-DNA position 1029, T replaced by C.
Molecular consequence: intron variant.
Genome position (GRCh38, 1-based): chr17:82,092,449, A>G on the plus strand (T>C on the coding strand, the complement: FASN is on the minus strand). VCF-style: chr17-82092449-A-G. GRCh37 (hg19) VCF-style: chr17-80050325-A-G.
Identifiers: ClinVar variation 2903153 (VCV002903153.3), dbSNP rs2034228006, ClinGen allele CA2278838847.

ClinVar aggregate classification (germline): Uncertain significance (1 of 4 stars; one submission).

Conditions:
Epileptic encephalopathy. Identifiers: MedGen C0543888, HP:0200134.

Allele frequency attached by ClinVar (database versions not stated): gnomAD exomes below 0.00001; TOPMed below 0.00001.
gnomAD v4.1: 2 of 1,565,960 alleles (0.00013%); highest among the groups gnomAD compares: African/African-American, 0.0013%; no homozygotes.

Submission:

Labcorp Genetics (formerly Invitae), Labcorp
Classification: Uncertain significance for Epileptic encephalopathy. Last evaluated: 2024-07-19. Review status: criteria provided, single submitter. Criteria: Invitae Variant Classification Sherloc (09022015). Collection method: clinical testing. Allele origin: germline.
Comment: This sequence change falls in intron 8 of the FASN gene. It does not directly change the encoded amino acid sequence of the FASN protein. It affects a nucleotide within the consensus splice site. This variant is not present in population databases (gnomAD no frequency). This variant has not been reported in the literature in individuals affected with FASN-related conditions. Variants that disrupt the consensus splice site are a relatively common cause of aberrant splicing (PMID: 17576681, 9536098). Algorithms developed to predict the effect of sequence changes on RNA splicing suggest that this variant is not likely to affect RNA splicing. In summary, the available evidence is currently insufficient to determine the role of this variant in disease. Therefore, it has been classified as a Variant of Uncertain Significance.

Literature cited by the submitters: PubMed 17576681; PubMed 9536098.